The following is an entry in ClinVar:

ClinVar aggregate classification (germline): Uncertain significance (1 of 4 stars; one submission).

Allele frequency attached by ClinVar (database versions not stated): gnomAD exomes below 0.00001.

Submission:

Labcorp Genetics (formerly Invitae), Labcorp
Classification: Uncertain significance. Last evaluated: 2022-09-13. Review status: criteria provided, single submitter. Criteria: Invitae Variant Classification Sherloc (09022015). Collection method: clinical testing. Allele origin: germline.
Comment: This sequence change replaces methionine, which is neutral and non-polar, with valine, which is neutral and non-polar, at codon 112 of the SPPL2A protein (p.Met112Val). In summary, the available evidence is currently insufficient to determine the role of this variant in disease. Therefore, it has been classified as a Variant of Uncertain Significance. Algorithms developed to predict the effect of missense changes on protein structure and function (SIFT, PolyPhen-2, Align-GVGD) all suggest that this variant is likely to be tolerated. This variant has not been reported in the literature in individuals affected with SPPL2A-related conditions. This variant is not present in population databases (gnomAD no frequency).

NM_032802.4(SPPL2A):c.334A>G (p.Met112Val)

Gene: SPPL2A (signal peptide peptidase like 2A; minus strand). Cytogenetic location: 15q21.2.
Variant type: single nucleotide variant.
Coding change: c.334A>G on transcript NM_032802.4 (MANE Select); coding-DNA position 334, A replaced by G.
Protein change: p.Met112Val; replaces methionine 112 with valine.
Molecular consequence: missense variant.
Genome position (GRCh38, 1-based): chr15:50,748,714, T>C on the plus strand (A>G on the coding strand, the complement: SPPL2A is on the minus strand). VCF-style: chr15-50748714-T-C. GRCh37 (hg19) VCF-style: chr15-51040911-T-C.
Other names: short protein forms M112V.
Identifiers: ClinVar variation 1998284 (VCV001998284.4), dbSNP rs2542840768, ClinGen allele CA392414684.